The following is an entry in ClinVar:

ClinVar aggregate classification (germline): Uncertain significance (1 of 4 stars; one submission).

Conditions:
Costello syndrome (CSTLO). Also called: FACIOCUTANEOSKELETAL SYNDROME; FCS SYNDROME; HRAS-Related Costello Syndrome. Identifiers: Orphanet 3071, MedGen C0587248, MONDO:0009026, OMIM 218040.

Submission:

Labcorp Genetics (formerly Invitae), Labcorp
Classification: Uncertain significance for Costello syndrome. Last evaluated: 2018-08-02. Review status: criteria provided, single submitter. Criteria: Invitae Variant Classification Sherloc (09022015). Collection method: clinical testing. Allele origin: germline.
Comment: This variant is not present in population databases (ExAC no frequency). This sequence change replaces glycine with arginine at codon 178 of the HRAS protein (p.Gly178Arg). The glycine residue is moderately conserved and there is a moderate physicochemical difference between glycine and arginine. This variant has not been reported in the literature in individuals with HRAS-related disease. Algorithms developed to predict the effect of missense changes on protein structure and function (SIFT, PolyPhen-2, Align-GVGD) all suggest that this variant is likely to be tolerated, but these predictions have not been confirmed by published functional studies and their clinical significance is uncertain. In summary, the available evidence is currently insufficient to determine the role of this variant in disease. Therefore, it has been classified as a Variant of Uncertain Significance.

NM_005343.4(HRAS):c.532G>C (p.Gly178Arg)

Genes: HRAS (HRas proto-oncogene, GTPase; minus strand), LRRC56 (leucine rich repeat containing 56; plus strand). Cytogenetic location: 11p15.5.
Variant type: single nucleotide variant.
Coding change: c.532G>C on transcript NM_005343.4 (MANE Select); coding-DNA position 532, G replaced by C.
Protein change: p.Gly178Arg; replaces glycine 178 with arginine.
Molecular consequence: missense variant. On other transcripts: 3 prime UTR variant (1).
Genome position (GRCh38, 1-based): chr11:532,674, C>G on the plus strand (G>C on the coding strand, the complement: HRAS is on the minus strand). VCF-style: chr11-532674-C-G. GRCh37 (hg19) VCF-style: chr11-532674-C-G.
Other names: c.532G>C, p.Gly178Arg (NM_001130442.3); c.295G>C, p.Gly99Arg (NM_001318054.2); c.*101G>C (NM_176795.5); short protein forms G178R, G99R.
Identifiers: ClinVar variation 660554 (VCV000660554.9), dbSNP rs1445835026, ClinGen allele CA378921005.